The following is an entry in ClinVar:

ClinVar aggregate classification (germline): Uncertain significance (1 of 4 stars; one submission).

Submission:

GeneDx
Classification: Uncertain significance. Last evaluated: 2024-05-03. Review status: criteria provided, single submitter. Criteria: GeneDx Variant Classification Process June 2021. Collection method: clinical testing. Allele origin: germline. Affected: yes.
Comment: Not observed at significant frequency in large population cohorts (gnomAD); In silico analysis supports that this missense variant has a deleterious effect on protein structure/function; Has not been previously published as pathogenic or benign to our knowledge

NM_170606.3(KMT2C):c.14677G>C (p.Asp4893His)

Gene: KMT2C (lysine methyltransferase 2C; minus strand). Cytogenetic location: 7q36.1.
Variant type: single nucleotide variant.
Coding change: c.14677G>C on transcript NM_170606.3 (MANE Select); coding-DNA position 14677, G replaced by C.
Protein change: p.Asp4893His; replaces aspartic acid 4893 with histidine.
Molecular consequence: missense variant.
Genome position (GRCh38, 1-based): chr7:152,136,891, C>G on the plus strand (G>C on the coding strand, the complement: KMT2C is on the minus strand). VCF-style: chr7-152136891-C-G. GRCh37 (hg19) VCF-style: chr7-151833976-C-G.
Other names: short protein forms D4893H.
Identifiers: ClinVar variation 3373233 (VCV003373233.1).
Genomic context (GRCh38, chr7:152,136,891, plus strand): 5'-TTCAGTTCATCCACTTCCGGCAGTTCACAGCTCCACAGTGACACGGAATCTTGTGCTGGT[C>G]ATCTTCAAAGTCAAACTTATAGTCATAGCAGAGCTGCCCACGGCAAAGACACAGGGTAAG-3'
Protein context (NP_733751.2, residues 4883-4903): CYDYKFDFED[Asp4893His]QHKIPCHCGA